The following is an entry in ClinVar:

NM_001270974.2(HYDIN):c.5374G>T (p.Glu1792Ter)

Gene: HYDIN (HYDIN axonemal central pair apparatus protein; minus strand). Cytogenetic location: 16q22.2.
Variant type: single nucleotide variant.
Coding change: c.5374G>T on transcript NM_001270974.2 (MANE Select); coding-DNA position 5374, G replaced by T.
Protein change: p.Glu1792Ter; replaces glutamic acid 1792 with a stop codon.
Molecular consequence: nonsense.
Genome position (GRCh38, 1-based): chr16:70,973,348, C>A on the plus strand (G>T on the coding strand, the complement: HYDIN is on the minus strand). VCF-style: chr16-70973348-C-A. GRCh37 (hg19) VCF-style: chr16-71007251-C-A.
Other names: short protein forms E1792*.
Identifiers: ClinVar variation 4886389 (VCV004886389.2).

ClinVar aggregate classification (germline): Likely pathogenic (1 of 4 stars; one submission).

Submission:

Dasa
Classification: Likely pathogenic. Last evaluated: 2025-03-10. Review status: criteria provided, single submitter. Criteria: DASA Assertion Criteria. Collection method: clinical testing. Allele origin: germline.
Comment: NM_001270974.2(HYDIN):c.5374G>T (p.Glu1792*) is a nonsense variant in HYDIN predicted to introduce a premature termination codon and is predicted to result in an absent or altered protein product. Loss of function is an established disease mechanism for HYDIN-associated disorders. Also, this variant is absent from population databases. Based on the currently available evidence, this variant is classified as likely pathogenic.